The following is an entry in ClinVar:

NM_001142800.2(EYS):c.4880C>T (p.Pro1627Leu)

Gene: EYS (eyes shut homolog; minus strand). Cytogenetic location: 6q12.
Variant type: single nucleotide variant.
Coding change: c.4880C>T on transcript NM_001142800.2 (MANE Select); coding-DNA position 4880, C replaced by T.
Protein change: p.Pro1627Leu; replaces proline 1627 with leucine.
Molecular consequence: missense variant.
Genome position (GRCh38, 1-based): chr6:64,590,987, G>A on the plus strand (C>T on the coding strand, the complement: EYS is on the minus strand). VCF-style: chr6-64590987-G-A. GRCh37 (hg19) VCF-style: chr6-65300880-G-A.
Other names: c.4880C>T, p.Pro1627Leu (NM_001292009.2); short protein forms P1627L.
Identifiers: ClinVar variation 1949680 (VCV001949680.3), dbSNP rs1051422768, ClinGen allele CA140340928.

ClinVar aggregate classification (germline): Uncertain significance. Review status: criteria provided, multiple submitters, no conflicts (2 of 4 stars). 2 submissions from 2 submitters: Uncertain significance (2). Last evaluated 2022-03-30.

Conditions:
Inborn genetic diseases. Identifiers: MedGen C0950123, MeSH D030342.

Allele frequency attached by ClinVar (database versions not stated): gnomAD exomes below 0.00001; gnomAD 0.00002; TOPMed 0.00002.
gnomAD v4.1: 6 of 1,551,144 alleles (0.00039%); highest among the groups gnomAD compares: African/African-American, 0.0082%; no homozygotes.

Submissions (2):

Labcorp Genetics (formerly Invitae), Labcorp
Classification: Uncertain significance. Last evaluated: 2022-03-30. Review status: criteria provided, single submitter. Criteria: Invitae Variant Classification Sherloc (09022015). Collection method: clinical testing. Allele origin: germline.
Comment: This sequence change replaces proline, which is neutral and non-polar, with leucine, which is neutral and non-polar, at codon 1627 of the EYS protein (p.Pro1627Leu). This variant is present in population databases (no rsID available, gnomAD 0.02%). This variant has not been reported in the literature in individuals affected with EYS-related conditions. Algorithms developed to predict the effect of missense changes on protein structure and function (SIFT, PolyPhen-2, Align-GVGD) all suggest that this variant is likely to be tolerated. In summary, the available evidence is currently insufficient to determine the role of this variant in disease. Therefore, it has been classified as a Variant of Uncertain Significance.

Ambry Genetics
Classification: Uncertain significance for Inborn genetic diseases. Last evaluated: 2021-10-22. Review status: criteria provided, single submitter. Criteria: Ambry Variant Classification Scheme 2023. Collection method: clinical testing. Allele origin: germline.